The following is an entry in ClinVar:

ClinVar aggregate classification (germline): Uncertain significance (1 of 4 stars; one submission).

Conditions:
Congenital contractures of the limbs and face, hypotonia, and developmental delay (CLIFAHDD). Identifiers: Orphanet 562528, MedGen C4225398, MONDO:0014556, OMIM 616266.

Submission:

3billion
Classification: Uncertain significance for Congenital contractures of the limbs and face, hypotonia, and developmental delay. Last evaluated: 2023-10-11. Review status: criteria provided, single submitter. Criteria: ACMG Guidelines, 2015. Collection method: clinical testing. Allele origin: germline. Affected: yes.
Comment: The variant is not observed in the gnomAD v2.1.1 dataset. Predicted Consequence/Location: The variant is located in a mutational hot spot and/or well-established functional domain in which established pathogenic variants have been reported. In silico tool predictions suggest damaging effect of the variant on gene or gene product [REVEL: 0.82 (>=0.6, sensitivity 0.68 and specificity 0.92)]. Therefore, this variant is classified as VUS according to the recommendation of ACMG/AMP guideline.

NM_052867.4(NALCN):c.1762C>G (p.Leu588Val)

Gene: NALCN (sodium leak channel, non-selective; minus strand). Cytogenetic location: 13q33.1.
Variant type: single nucleotide variant.
Coding change: c.1762C>G on transcript NM_052867.4 (MANE Select); coding-DNA position 1762, C replaced by G.
Protein change: p.Leu588Val; replaces leucine 588 with valine.
Molecular consequence: missense variant.
Genome position (GRCh38, 1-based): chr13:101,191,919, G>C on the plus strand (C>G on the coding strand, the complement: NALCN is on the minus strand). VCF-style: chr13-101191919-G-C. GRCh37 (hg19) VCF-style: chr13-101844270-G-C.
Other names: c.1762C>G, p.Leu588Val (NM_001350748.2, NM_001350749.2); c.1675C>G, p.Leu559Val (NM_001350750.2, NM_001350751.2); short protein forms L559V, L588V.
Identifiers: ClinVar variation 3775897 (VCV003775897.1).